The following is an entry in ClinVar:

ClinVar aggregate classification (germline): Uncertain significance (1 of 4 stars; one submission).

Submission:

GeneDx
Classification: Uncertain significance. Last evaluated: 2019-08-21. Review status: criteria provided, single submitter. Criteria: GeneDx Variant Classification Process June 2021. Collection method: clinical testing. Allele origin: germline. Affected: yes.
Comment: Not observed in large population cohorts (Lek et al., 2016); In-silico analysis, which includes splice predictors and evolutionary conservation, is inconclusive as to whether the variant alters gene splicing. In the absence of RNA/functional studies, the actual effect of this sequence change is unknown.; Has not been previously published as pathogenic or benign to our knowledge

NM_013275.6(ANKRD11):c.7569+4A>G

Gene: ANKRD11 (ankyrin repeat domain containing 11; minus strand). Cytogenetic location: 16q24.3.
Variant type: single nucleotide variant.
Coding change: c.7569+4A>G on transcript NM_013275.6 (MANE Select); 4 bases into the intron after coding-DNA position 7569, A replaced by G.
Molecular consequence: intron variant.
Genome position (GRCh38, 1-based): chr16:89,275,089, T>C on the plus strand (A>G on the coding strand, the complement: ANKRD11 is on the minus strand). VCF-style: chr16-89275089-T-C. GRCh37 (hg19) VCF-style: chr16-89341497-T-C.
Other names: c.7569+4A>G (NM_001256183.2, NM_001256182.2).
Identifiers: ClinVar variation 1308086 (VCV001308086.2), dbSNP rs2151703020, ClinGen allele CA2559604521.